The following is an entry in ClinVar:

ClinVar aggregate classification (germline): Conflicting classifications of pathogenicity. Review status: criteria provided, conflicting classifications (1 of 4 stars). 4 submissions from 4 submitters: Uncertain significance (3); Likely benign (1). Last evaluated 2025-08-03.

Conditions:
Hereditary breast ovarian cancer syndrome. Also called: Hereditary breast and ovarian cancer; Hereditary breast and ovarian cancer syndrome (HBOC); BRCA1- and BRCA2-Associated Hereditary Breast and Ovarian Cancer; Breast and ovarian cancer; Hereditary breast and ovarian cancer syndrome; Hereditary breast and/or ovarian cancer syndrome. Identifiers: Orphanet 145, MedGen C0677776, MeSH D061325, MONDO:0003582. Disease mechanism: loss of function.
Breast-ovarian cancer, familial, susceptibility to, 2 (BROVCA2). Also called: BRCA2 Hereditary Breast and Ovarian Cancer. Identifiers: Orphanet 145, MedGen C2675520, MONDO:0012933, OMIM 612555. Disease mechanism: loss of function.
Hereditary cancer-predisposing syndrome. Also called: Tumor predisposition; Hereditary neoplastic syndrome; Neoplastic Syndromes, Hereditary; Hereditary Cancer Syndrome. Identifiers: Orphanet 140162, MedGen C0027672, MeSH D009386, MONDO:0015356.

Submissions (4):

Labcorp Genetics (formerly Invitae), Labcorp
Classification: Uncertain significance for Hereditary breast ovarian cancer syndrome. Last evaluated: 2025-08-03. Review status: criteria provided, single submitter. Criteria: Invitae Variant Classification Sherloc (09022015). Collection method: clinical testing. Allele origin: germline.
Comment: This sequence change replaces glutamic acid, which is acidic and polar, with aspartic acid, which is acidic and polar, at codon 2183 of the BRCA2 protein (p.Glu2183Asp). This variant is not present in population databases (gnomAD no frequency). This variant has not been reported in the literature in individuals affected with BRCA2-related conditions. ClinVar contains an entry for this variant (Variation ID: 937479). Invitae Evidence Modeling of protein sequence and biophysical properties (such as structural, functional, and spatial information, amino acid conservation, physicochemical variation, residue mobility, and thermodynamic stability) indicates that this missense variant is not expected to disrupt BRCA2 protein function with a negative predictive value of 95%. In summary, the available evidence is currently insufficient to determine the role of this variant in disease. Therefore, it has been classified as a Variant of Uncertain Significance.

Ambry Genetics
Classification: Uncertain significance for Hereditary cancer-predisposing syndrome. Last evaluated: 2024-05-20. Review status: criteria provided, single submitter. Criteria: Ambry Variant Classification Scheme 2023. Collection method: clinical testing. Allele origin: germline.
Comment: The p.E2183D variant (also known as c.6549A>T), located in coding exon 10 of the BRCA2 gene, results from an A to T substitution at nucleotide position 6549. The glutamic acid at codon 2183 is replaced by aspartic acid, an amino acid with highly similar properties. This amino acid position is not well conserved in available vertebrate species. In addition, the in silico prediction for this alteration is inconclusive. Based on the available evidence, the clinical significance of this variant remains unclear.

All of Us Research Program, National Institutes of Health
Classification: Uncertain significance for Breast-ovarian cancer, familial, susceptibility to, 2. Last evaluated: 2023-07-10. Review status: criteria provided, single submitter. Criteria: ACMG Guidelines, 2015. Collection method: clinical testing. Allele origin: germline. Inheritance: Autosomal dominant inheritance. Observed: 1 variant allele, 1 heterozygote.
Comment: This missense variant replaces glutamic acid with aspartic acid at codon 2183 of the BRCA2 protein. Computational prediction is inconclusive regarding the impact of this variant on protein structure and function (internally defined REVEL score threshold 0.5 < inconclusive < 0.7, PMID: 27666373). To our knowledge, functional studies have not been reported for this variant. This variant has not been reported in individuals affected with BRCA2-related disorders in the literature. This variant has not been identified in the general population by the Genome Aggregation Database (gnomAD). The available evidence is insufficient to determine the role of this variant in disease conclusively. Therefore, this variant is classified as a Variant of Uncertain Significance.

This study involves interpretation of variants in research participants for the purpose of population health screening. Participant phenotype was not available at the time of variant classification. Additional details can be found in publication PMID: 35346344, PMCID: PMC8962531

University of Washington Department of Laboratory Medicine, University of Washington
Classification: Likely benign for Hereditary cancer-predisposing syndrome. Last evaluated: 2023-03-23. Review status: criteria provided, single submitter. Criteria: Dines et al. (Genet Med. 2020). Collection method: curation. Allele origin: germline.
Comment: Missense variant in a coldspot region where missense variants are very unlikely to be pathogenic (PMID:31911673).

BRCA2 exon 11 coldspot. Reclassification based on statistical prior probability.

NM_000059.4(BRCA2):c.6549A>T (p.Glu2183Asp)

Gene: BRCA2 (BRCA2 DNA repair associated; plus strand). Cytogenetic location: 13q13.1.
Variant type: single nucleotide variant.
Coding change: c.6549A>T on transcript NM_000059.4 (MANE Select); coding-DNA position 6549, A replaced by T.
Protein change: p.Glu2183Asp; replaces glutamic acid 2183 with aspartic acid.
Molecular consequence: missense variant.
Genome position (GRCh38, 1-based): chr13:32,340,904, A>T. VCF-style: chr13-32340904-A-T. GRCh37 (hg19) VCF-style: chr13-32915041-A-T.
Other names: short protein forms E2183D.
Identifiers: ClinVar variation 937479 (VCV000937479.13), dbSNP rs2072559314, ClinGen allele CA387789775.